The following is an entry in ClinVar:

NM_020247.5(COQ8A):c.1257-20G>C

Gene: COQ8A (coenzyme Q8A; plus strand). Cytogenetic location: 1q42.13.
Variant type: single nucleotide variant.
Coding change: c.1257-20G>C on transcript NM_020247.5 (MANE Select); 20 bases into the intron before coding-DNA position 1257, G replaced by C.
Molecular consequence: intron variant.
Genome position (GRCh38, 1-based): chr1:226,984,074, G>C. VCF-style: chr1-226984074-G-C. GRCh37 (hg19) VCF-style: chr1-227171775-G-C.
Identifiers: ClinVar variation 512767 (VCV000512767.5), dbSNP rs752645843, ClinGen allele CA1425422.

ClinVar aggregate classification (germline): Likely benign. Review status: criteria provided, multiple submitters, no conflicts (2 of 4 stars). 2 submissions from 2 submitters: Likely benign (2). Last evaluated 2025-10-01.

Allele frequency attached by ClinVar (database versions not stated): ExAC 0.00004; gnomAD exomes 0.00007 and 0.00016; gnomAD 0.00008 and 0.00009; TOPMed 0.00009.
gnomAD v4.1: 238 of 1,612,572 alleles (0.015%); highest among the groups gnomAD compares: Non-Finnish European, 0.019%; no homozygotes.

Submissions (2):

Labcorp Genetics (formerly Invitae), Labcorp
Classification: Likely benign. Last evaluated: 2025-10-01. Review status: criteria provided, single submitter. Criteria: Invitae Variant Classification Sherloc (09022015). Collection method: clinical testing. Allele origin: germline.

GeneDx
Classification: Likely benign. Last evaluated: 2017-11-02. Review status: criteria provided, single submitter. Criteria: GeneDx Variant Classification (06012015). Collection method: clinical testing. Allele origin: germline. Affected: yes.
Comment: This variant is considered likely benign or benign based on one or more of the following criteria: it is a conservative change, it occurs at a poorly conserved position in the protein, it is predicted to be benign by multiple in silico algorithms, and/or has population frequency not consistent with disease.